The following is an entry in ClinVar:

ClinVar aggregate classification (germline): Pathogenic/Likely pathogenic. Review status: criteria provided, multiple submitters, no conflicts (2 of 4 stars). 4 submissions from 4 submitters: Pathogenic (2); Likely pathogenic (2). Last evaluated 2024-01-30.

Conditions:
Hereditary cancer-predisposing syndrome. Also called: Tumor predisposition; Hereditary neoplastic syndrome; Neoplastic Syndromes, Hereditary; Hereditary Cancer Syndrome. Identifiers: Orphanet 140162, MedGen C0027672, MeSH D009386, MONDO:0015356.
Familial cancer of breast. Also called: Hereditary breast cancer; BREAST CANCER, FAMILIAL; hereditary breast carcinoma. Identifiers: Orphanet 227535, MedGen C0346153, MONDO:0016419, OMIM 114480. Disease mechanism: loss of function.
Ataxia-telangiectasia syndrome (AT). Also called: Ataxia-telangiectasia, complementation group D; AT, COMPLEMENTATION GROUP C; ATAXIA-TELANGIECTASIA, COMPLEMENTATION GROUP A; ATAXIA-TELANGIECTASIA, FRESNO VARIANT; Ataxia-telangiectasia; LOUIS-BAR SYNDROME. Identifiers: Orphanet 100, MedGen C0004135, MONDO:0008840, OMIM 208900.

Submissions (4):

Myriad Genetics, Inc.
Classification: Likely pathogenic for Familial cancer of breast. Last evaluated: 2024-01-30. Review status: criteria provided, single submitter. Criteria: Myriad Autosomal Dominant, Autosomal Recessive and X-Linked Classification Criteria (2023). Collection method: clinical testing. Allele origin: unknown.
Comment: This variant is considered likely pathogenic. This variant occurs within a consensus splice junction and is predicted to result in abnormal mRNA splicing of either an out-of-frame exon or an in-frame exon necessary for protein stability and/or normal function.

Labcorp Genetics (formerly Invitae), Labcorp
Classification: Pathogenic for Ataxia-telangiectasia syndrome. Last evaluated: 2023-08-28. Review status: criteria provided, single submitter. Criteria: Invitae Variant Classification Sherloc (09022015). Collection method: clinical testing. Allele origin: germline.
Comment: For these reasons, this variant has been classified as Pathogenic. Studies have shown that disruption of this splice site results in skipping of exon 48, but is expected to preserve the integrity of the reading-frame (PMID: 31843900). ClinVar contains an entry for this variant (Variation ID: 650217). This variant has not been reported in the literature in individuals affected with ATM-related conditions. This variant is not present in population databases (gnomAD no frequency). This sequence change affects an acceptor splice site in intron 47 of the ATM gene. RNA analysis indicates that disruption of this splice site induces altered splicing and likely results in a shortened protein product.

Ambry Genetics
Classification: Likely pathogenic for Hereditary cancer-predisposing syndrome. Last evaluated: 2023-01-03. Review status: criteria provided, single submitter. Criteria: Ambry Variant Classification Scheme 2023. Collection method: clinical testing. Allele origin: germline.
Comment: The c.6976-1G>T intronic variant results from a G to T substitution one nucleotide upstream from coding exon 47 of the ATM gene. This nucleotide position is highly conserved in available vertebrate species. In silico splice site analysis predicts that this alteration will weaken the native splice acceptor site. RNA studies have demonstrated that this alteration results in abnormal splicing in the set of samples tested (Ambry internal data). Alterations that disrupt the canonical splice site are expected to cause aberrant splicing, resulting in an abnormal protein or a transcript that is subject to nonsense-mediated mRNA decay. As such, this alteration is classified as likely pathogenic.

Department of Pathology and Laboratory Medicine, Sinai Health System
Classification: Pathogenic for Familial cancer of breast. Last evaluated: 2022-07-25. Review status: criteria provided, single submitter. Criteria: ACMG Guidelines, 2015. Collection method: clinical testing. Allele origin: germline. Affected: yes.

Literature cited by the submitters: PubMed 31843900 (cited by Labcorp Genetics (formerly Invitae), Labcorp).

NM_000051.4(ATM):c.6976-1G>T

Genes: ATM (ATM serine/threonine kinase; plus strand), C11orf65 (chromosome 11 open reading frame 65; minus strand). Cytogenetic location: 11q22.3.
Variant type: single nucleotide variant.
Coding change: c.6976-1G>T on transcript NM_000051.4 (MANE Select); the canonical splice acceptor site of the intron before coding-DNA position 6976, G replaced by T.
Molecular consequence: splice acceptor variant. On other transcripts: intron variant (2).
Genome position (GRCh38, 1-based): chr11:108,327,644, G>T. VCF-style: chr11-108327644-G-T. GRCh37 (hg19) VCF-style: chr11-108198371-G-T.
Other names: c.6976-1G>T (NM_001351834.2); c.641-18573C>A (NM_001330368.2); c.*38+7576C>A (NM_001351110.2).
Identifiers: ClinVar variation 650217 (VCV000650217.18), dbSNP rs1591141963, ClinGen allele CA382557712.